The following is an entry in ClinVar:

ClinVar aggregate classification (germline): Uncertain significance. Review status: criteria provided, multiple submitters, no conflicts (2 of 4 stars). 3 submissions from 3 submitters: Uncertain significance (3). Last evaluated 2025-05-19.

Conditions:
Inborn genetic diseases. Identifiers: MedGen C0950123, MeSH D030342.

Allele frequency attached by ClinVar (database versions not stated): gnomAD 0.00004 and 0.00007; ExAC 0.00007; gnomAD exomes 0.00007; TOPMed 0.00008; 1000 Genomes Project 30x 0.00016; 1000 Genomes Project 0.00020; ESP Exome Variant Server 0.00023.
gnomAD v4.1: 127 of 1,614,156 alleles (0.0079%); highest among the groups gnomAD compares: South Asian, 0.02%; no homozygotes.

Submissions (3):

Labcorp Genetics (formerly Invitae), Labcorp
Classification: Uncertain significance. Last evaluated: 2025-05-19. Review status: criteria provided, single submitter. Criteria: Invitae Variant Classification Sherloc (09022015). Collection method: clinical testing. Allele origin: germline.
Comment: This sequence change replaces tyrosine, which is neutral and polar, with serine, which is neutral and polar, at codon 145 of the GNB3 protein (p.Tyr145Ser). This variant is present in population databases (rs150490302, gnomAD 0.01%). This variant has not been reported in the literature in individuals affected with GNB3-related conditions. ClinVar contains an entry for this variant (Variation ID: 862496). Invitae Evidence Modeling of protein sequence and biophysical properties (such as structural, functional, and spatial information, amino acid conservation, physicochemical variation, residue mobility, and thermodynamic stability) indicates that this missense variant is expected to disrupt GNB3 protein function with a positive predictive value of 80%. In summary, the available evidence is currently insufficient to determine the role of this variant in disease. Therefore, it has been classified as a Variant of Uncertain Significance.

Ambry Genetics
Classification: Uncertain significance for Inborn genetic diseases. Last evaluated: 2025-04-13. Review status: criteria provided, single submitter. Criteria: Ambry Variant Classification Scheme 2023. Collection method: clinical testing. Allele origin: germline.

Blueprint Genetics
Classification: Uncertain significance. Last evaluated: 2021-11-03. Review status: criteria provided, single submitter. Criteria: ACMG Guidelines, 2015. Collection method: clinical testing. Allele origin: germline.

NM_002075.4(GNB3):c.434A>C (p.Tyr145Ser)

Gene: GNB3 (G protein subunit beta 3; plus strand). Cytogenetic location: 12p13.31.
Variant type: single nucleotide variant.
Coding change: c.434A>C on transcript NM_002075.4 (MANE Select); coding-DNA position 434, A replaced by C.
Protein change: p.Tyr145Ser; replaces tyrosine 145 with serine.
Molecular consequence: missense variant.
Genome position (GRCh38, 1-based): chr12:6,843,635, A>C. VCF-style: chr12-6843635-A-C. GRCh37 (hg19) VCF-style: chr12-6952799-A-C.
Other names: c.434A>C (NM_002075.2); c.434A>C, p.Tyr145Ser (NM_001297571.2); short protein forms Y145S.
Identifiers: ClinVar variation 862496 (VCV000862496.11), dbSNP rs150490302, ClinGen allele CA6417543.
Genomic context (GRCh38, chr12:6,843,635, plus strand): 5'-GGCTTCCAGTGGGCTGTGGCTCTGCAGCCAGGGCACTGTCCTTCTAACCGCCTCCAGGTT[A>C]TCTCTCCTGCTGCCGCTTCCTGGATGACAACAATATTGTGACCAGCTCGGGGGACACCAC-3'
Protein context (NP_002066.1, residues 135-155): VSRELSAHTG[Tyr145Ser]LSCCRFLDDN